The following is an entry in ClinVar:

NM_001199107.2(TBC1D24):c.820A>G (p.Arg274Gly)

Gene: TBC1D24 (TBC1 domain family member 24; plus strand). Cytogenetic location: 16p13.3.
Variant type: single nucleotide variant.
Coding change: c.820A>G on transcript NM_001199107.2 (MANE Select); coding-DNA position 820, A replaced by G.
Protein change: p.Arg274Gly; replaces arginine 274 with glycine.
Molecular consequence: missense variant.
Genome position (GRCh38, 1-based): chr16:2,496,968, A>G. VCF-style: chr16-2496968-A-G. GRCh37 (hg19) VCF-style: chr16-2546969-A-G.
Other names: c.820A>G, p.Arg274Gly (NM_020705.3); short protein forms R274G.
Identifiers: ClinVar variation 449267 (VCV000449267.9), dbSNP rs760591932, ClinGen allele CA7844078.

ClinVar aggregate classification (germline): Conflicting classifications of pathogenicity. Review status: criteria provided, conflicting classifications (1 of 4 stars). 3 submissions from 3 submitters: Uncertain significance (2); Likely benign (1). Last evaluated 2026-01-28.

Conditions:
Inborn genetic diseases. Identifiers: MedGen C0950123, MeSH D030342.
Developmental and epileptic encephalopathy, 1 (DEE1). Also called: X-linked infantile spasms; West's syndrome; Tonic spasms with clustering, arrest of psychomotor development and hypsarrhythmia on EEG; X-Linked Infantile Spasm Syndrome; OHTAHARA SYNDROME, X-LINKED; Epileptic encephalopathy, early infantile, 1. Identifiers: MedGen C3463992, MONDO:0010632, OMIM 308350. Disease mechanism: loss of function.
Autosomal dominant nonsyndromic hearing loss 65. Also called: Deafness, autosomal dominant 65; TBC1D24-Related Autosomal Dominant Nonsyndromic Hearing Loss (DFNA). Identifiers: Orphanet 90635, MedGen C3892048, MONDO:0014470, OMIM 616044.

Allele frequency attached by ClinVar (database versions not stated): gnomAD exomes 0.00001 and 0.00004; ExAC 0.00001; gnomAD 0.00001.
gnomAD v4.1: 13 of 1,613,904 alleles (0.00081%); highest among the groups gnomAD compares: Admixed American, 0.013%; no homozygotes.

Submissions (3):

Labcorp Genetics (formerly Invitae), Labcorp
Classification: Uncertain significance for Developmental and epileptic encephalopathy, 1; Autosomal dominant nonsyndromic hearing loss 65. Last evaluated: 2026-01-28. Review status: criteria provided, single submitter. Criteria: Invitae Variant Classification Sherloc (09022015). Collection method: clinical testing. Allele origin: germline.
Comment: This sequence change replaces arginine, which is basic and polar, with glycine, which is neutral and non-polar, at codon 274 of the TBC1D24 protein (p.Arg274Gly). This variant is present in population databases (rs760591932, gnomAD 0.02%). This variant has not been reported in the literature in individuals affected with TBC1D24-related conditions. ClinVar contains an entry for this variant (Variation ID: 449267). Invitae Evidence Modeling of protein sequence and biophysical properties (such as structural, functional, and spatial information, amino acid conservation, physicochemical variation, residue mobility, and thermodynamic stability) indicates that this missense variant is not expected to disrupt TBC1D24 protein function with a negative predictive value of 80%. In summary, the available evidence is currently insufficient to determine the role of this variant in disease. Therefore, it has been classified as a Variant of Uncertain Significance.

Ambry Genetics
Classification: Likely benign for Inborn genetic diseases. Last evaluated: 2025-08-25. Review status: criteria provided, single submitter. Criteria: Ambry Variant Classification Scheme 2023. Collection method: clinical testing. Allele origin: germline.

GeneDx
Classification: Uncertain significance. Last evaluated: 2015-12-04. Review status: criteria provided, single submitter. Criteria: GeneDx Variant Classification (06012015). Collection method: clinical testing. Allele origin: germline. Affected: yes.
Comment: A variant of uncertain significance has been identified in the TBC1D24 gene. The R274G variant has not been published as a pathogenic variant, nor has it been reported as a benign variant to our knowledge. It was not observed in approximately 6,500 individuals of European and African American ancestry in the NHLBI Exome Sequencing Project, indicating it is not a common benign variant in these populations. The R274G variant is a non-conservative amino acid substitution, which is likely to impact secondary protein structure as these residues differ in polarity, charge, size and/or other properties. However. this substitution occurs at a position that is not conserved, and in silico analysis predicts this variant likely does not alter the protein structure/function. Therefore, based on the currently available information, it is unclear whether this variant is a pathogenic variant or a rare benign variant.